The following is an entry in ClinVar:

ClinVar aggregate classification (germline): Uncertain significance (1 of 4 stars; one submission).

gnomAD v4.1: 34 of 1,613,670 alleles (0.0021%); highest among the groups gnomAD compares: South Asian, 0.0066%; no homozygotes.

Submission:

Labcorp Genetics (formerly Invitae), Labcorp
Classification: Uncertain significance. Last evaluated: 2025-06-12. Review status: criteria provided, single submitter. Criteria: Invitae Variant Classification Sherloc (09022015). Collection method: clinical testing. Allele origin: germline.
Comment: This sequence change replaces threonine, which is neutral and polar, with methionine, which is neutral and non-polar, at codon 1106 of the TEK protein (p.Thr1106Met). This variant is present in population databases (rs751768682, gnomAD 0.007%). This variant has not been reported in the literature in individuals affected with TEK-related conditions. ClinVar contains an entry for this variant (Variation ID: 3627915). Invitae Evidence Modeling of protein sequence and biophysical properties (such as structural, functional, and spatial information, amino acid conservation, physicochemical variation, residue mobility, and thermodynamic stability) indicates that this missense variant is not expected to disrupt TEK protein function with a negative predictive value of 80%. In summary, the available evidence is currently insufficient to determine the role of this variant in disease. Therefore, it has been classified as a Variant of Uncertain Significance.

NM_000459.5(TEK):c.3317C>T (p.Thr1106Met)

Gene: TEK (TEK receptor tyrosine kinase; plus strand). Cytogenetic location: 9p21.2.
Variant type: single nucleotide variant.
Coding change: c.3317C>T on transcript NM_000459.5 (MANE Select); coding-DNA position 3317, C replaced by T.
Protein change: p.Thr1106Met; replaces threonine 1106 with methionine.
Molecular consequence: missense variant.
Genome position (GRCh38, 1-based): chr9:27,229,174, C>T. VCF-style: chr9-27229174-C-T. GRCh37 (hg19) VCF-style: chr9-27229172-C-T.
Other names: c.3188C>T, p.Thr1063Met (NM_001290077.2); c.2873C>T, p.Thr958Met (NM_001290078.2); c.3314C>T, p.Thr1105Met (NM_001375475.1); c.3185C>T, p.Thr1062Met (NM_001375476.1); short protein forms T1062M, T1063M, T1105M, T1106M, T958M.
Identifiers: ClinVar variation 3627915 (VCV003627915.2).